The following is an entry in ClinVar:

NM_020975.6(RET):c.693C>T (p.Arg231=)

Gene: RET (ret proto-oncogene; plus strand). Cytogenetic location: 10q11.21.
Variant type: single nucleotide variant.
Coding change: c.693C>T on transcript NM_020975.6 (MANE Select); coding-DNA position 693, C replaced by T.
Protein change: p.Arg231=; no amino-acid change (arginine 231 retained).
Molecular consequence: synonymous variant. On other transcripts: 5 prime UTR variant (1), intron variant (22).
Genome position (GRCh38, 1-based): chr10:43,105,019, C>T. VCF-style: chr10-43105019-C-T. GRCh37 (hg19) VCF-style: chr10-43600467-C-T.
Other names: c.693C>T, p.Arg231= (NM_000323.2, NM_001406743.1, NM_001406744.1 and 8 more transcripts); c.-70C>T (NM_001355216.2); c.564C>T, p.Arg188= (NM_001406761.1, NM_001406762.1, NM_001406764.1 and 2 more transcripts); c.405C>T, p.Arg135= (NM_001406766.1, NM_001406767.1, NM_001406770.1); c.625+2390C>T (NM_001406773.1, NM_001406771.1, NM_001406782.1 and 5 more transcripts); c.496+2390C>T (NM_001406786.1, NM_001406783.1); c.338-4012C>T (NM_001406778.1, NM_001406775.1, NM_001406776.1 and 1 more transcripts); c.337+4297C>T (NM_001406790.1, NM_001406788.1, NM_001406789.1 and 1 more transcripts); and 2 more.
Identifiers: ClinVar variation 136123 (VCV000136123.66), dbSNP rs576806329, ClinGen allele CA009323.

ClinVar aggregate classification (germline): Benign/Likely benign. Review status: criteria provided, multiple submitters, no conflicts (2 of 4 stars). 9 submissions from 8 submitters: Benign (1); Likely benign (6). 2 of the submissions do not count toward it. Last evaluated 2026-06-10.

Conditions:
RET-related disorder. Also called: RET-related condition; RET-related disease; RET-related disorders.
Hereditary cancer-predisposing syndrome. Also called: Tumor predisposition; Hereditary neoplastic syndrome; Hereditary Cancer Syndrome; Neoplastic Syndromes, Hereditary. Identifiers: Orphanet 140162, MedGen C0027672, MeSH D009386, MONDO:0015356.
Multiple endocrine neoplasia, type 2 (MEN2). Identifiers: Orphanet 653, MedGen C4048306, MONDO:0019003. Disease mechanism: gain of function.
Multiple endocrine neoplasia type 2A. Also called: Multiple Endocrine Neoplasia Type 2A (MEN2A); MULTIPLE ENDOCRINE NEOPLASIA, TYPE IIA; PTC SYNDROME; SIPPLE SYNDROME; MEN 2A; MEN-2A syndrome. Identifiers: Orphanet 247698, Orphanet 653, MedGen C0025268, MeSH D018813, MONDO:0008234, OMIM 171400.
Multiple endocrine neoplasia type 2B. Also called: MEN 2B; MUCOSAL NEUROMA SYNDROME; NEUROMATA, MUCOSAL, WITH ENDOCRINE TUMORS; WAGENMANN-FROBOESE SYNDROME; MULTIPLE ENDOCRINE NEOPLASIA, TYPE III; Multiple Endocrine Neoplasia Type 2B (MEN2B). Identifiers: Orphanet 247709, Orphanet 653, MedGen C0025269, MeSH D018814, MONDO:0008082, OMIM 162300.

Allele frequency attached by ClinVar (database versions not stated): TOPMed 0.00003; gnomAD 0.00004 and 0.00005; gnomAD exomes 0.00004 and 0.00021; ExAC 0.00033; 1000 Genomes Project 0.00080; 1000 Genomes Project 30x 0.00094.
gnomAD v4.1: 73 of 1,599,928 alleles (0.0046%); highest among the groups gnomAD compares: East Asian, 0.15%; no homozygotes.

Submissions (9):

PreventionGenetics, part of Exact Sciences
Classification: Likely benign for RET-related condition. Last evaluated: 2026-06-10. Review status: criteria provided, single submitter. Criteria: ACMG Guidelines, 2015. Collection method: clinical testing. Allele origin: germline.
Comment: This variant is classified as likely benign based on ACMG/AMP sequence variant interpretation guidelines (Richards et al. 2015 PMID: 25741868, with internal and published modifications).

Labcorp Genetics (formerly Invitae), Labcorp
Classification: Benign for Multiple endocrine neoplasia, type 2. Last evaluated: 2026-01-21. Review status: criteria provided, single submitter. Criteria: Invitae Variant Classification Sherloc (09022015). Collection method: clinical testing. Allele origin: germline.

Blueprint Genetics
Classification: Likely benign. Last evaluated: 2024-02-27. Review status: criteria provided, single submitter. Criteria: ACMG Guidelines, 2015. Collection method: clinical testing. Allele origin: germline.

Color Diagnostics, LLC DBA Color Health
Classification: Likely benign for Multiple endocrine neoplasia, type 2. Last evaluated: 2022-11-06. Review status: criteria provided, single submitter. Criteria: ACMG Guidelines, 2015. Collection method: clinical testing. Allele origin: germline.

Sema4
Classification: Likely benign for Hereditary cancer-predisposing syndrome. Last evaluated: 2021-03-31. Review status: criteria provided, single submitter. Criteria: Sema4 Curation Guidelines. Collection method: curation. Allele origin: germline.

CeGaT Center for Human Genetics Tuebingen
Classification: Likely benign. Last evaluated: 2018-04-01. Review status: criteria provided, single submitter. Criteria: CeGaT Center For Human Genetics Tuebingen Variant Classification Criteria Version 2. Collection method: clinical testing. Allele origin: germline. Affected: yes. Observed: 1 variant allele.

Ambry Genetics
Classification: Likely benign for Hereditary cancer-predisposing syndrome. Last evaluated: 2016-04-13. Review status: criteria provided, single submitter. Criteria: Ambry Variant Classification Scheme 2023. Collection method: clinical testing. Allele origin: germline.

Counsyl
Classification: Likely benign for Multiple endocrine neoplasia type 2B. Last evaluated: 2015-12-04. Review status: no assertion criteria provided. Collection method: clinical testing. Allele origin: unknown. Not counted in ClinVar's aggregate classification.

Counsyl
Classification: Likely benign for Multiple endocrine neoplasia type 2A. Last evaluated: 2015-12-04. Review status: no assertion criteria provided. Collection method: clinical testing. Allele origin: unknown. Not counted in ClinVar's aggregate classification.